The following is an entry in ClinVar:

NM_005219.5(DIAPH1):c.1916T>C (p.Ile639Thr)

Gene: DIAPH1 (diaphanous related formin 1; minus strand). Cytogenetic location: 5q31.3.
Variant type: single nucleotide variant.
Coding change: c.1916T>C on transcript NM_005219.5 (MANE Select); coding-DNA position 1916, T replaced by C.
Protein change: p.Ile639Thr; replaces isoleucine 639 with threonine.
Molecular consequence: missense variant.
Genome position (GRCh38, 1-based): chr5:141,573,934, A>G on the plus strand (T>C on the coding strand, the complement: DIAPH1 is on the minus strand). VCF-style: chr5-141573934-A-G. GRCh37 (hg19) VCF-style: chr5-140953501-A-G.
Other names: c.1889T>C, p.Ile630Thr (NM_001079812.3); c.1916T>C, p.Ile639Thr (NM_001314007.2); short protein forms I630T, I639T.
Identifiers: ClinVar variation 3756380 (VCV003756380.2).

ClinVar aggregate classification (germline): Uncertain significance (1 of 4 stars; one submission).

Conditions:
Autosomal dominant nonsyndromic hearing loss 1. Also called: KONIGSMARK SYNDROME; DEAFNESS, AUTOSOMAL DOMINANT 1, WITH OR WITHOUT THROMBOCYTOPENIA. Identifiers: Orphanet 90635, MedGen C1852282, MONDO:0007424, OMIM 124900.
Progressive microcephaly-seizures-cortical blindness-developmental delay syndrome. Also called: Seizures, cortical blindness, and microcephaly syndrome. Identifiers: Orphanet 477814, MedGen C5567650, MONDO:0014714, OMIM 616632.

Submission:

Labcorp Genetics (formerly Invitae), Labcorp
Classification: Uncertain significance for Progressive microcephaly-seizures-cortical blindness-developmental delay syndrome; Autosomal dominant nonsyndromic hearing loss 1. Last evaluated: 2024-05-16. Review status: criteria provided, single submitter. Criteria: Invitae Variant Classification Sherloc (09022015). Collection method: clinical testing. Allele origin: germline.
Comment: This sequence change replaces isoleucine, which is neutral and non-polar, with threonine, which is neutral and polar, at codon 639 of the DIAPH1 protein (p.Ile639Thr). This variant is not present in population databases (gnomAD no frequency). This variant has not been reported in the literature in individuals affected with DIAPH1-related conditions. Experimental studies and prediction algorithms are not available or were not evaluated, and the functional significance of this variant is currently unknown. In summary, the available evidence is currently insufficient to determine the role of this variant in disease. Therefore, it has been classified as a Variant of Uncertain Significance.